The following is an entry in ClinVar:

NM_198060.4(NRAP):c.643C>T (p.Arg215Trp)

Gene: NRAP (nebulin related anchoring protein; minus strand). Cytogenetic location: 10q25.3.
Variant type: single nucleotide variant.
Coding change: c.643C>T on transcript NM_198060.4 (MANE Select); coding-DNA position 643, C replaced by T.
Protein change: p.Arg215Trp; replaces arginine 215 with tryptophan.
Molecular consequence: missense variant.
Genome position (GRCh38, 1-based): chr10:113,651,835, G>A on the plus strand (C>T on the coding strand, the complement: NRAP is on the minus strand). VCF-style: chr10-113651835-G-A. GRCh37 (hg19) VCF-style: chr10-115411594-G-A.
Other names: c.643C>T, p.Arg215Trp (NM_001261463.2, NM_001322945.2, NM_006175.5); c.643C>T (NM_001261463.1, NM_198060.3); short protein forms R215W.
Identifiers: ClinVar variation 2640850 (VCV002640850.27), dbSNP rs140934697, ClinGen allele CA5695851.

ClinVar aggregate classification (germline): Likely benign. Review status: criteria provided, multiple submitters, no conflicts (2 of 4 stars). 4 submissions from 4 submitters: Likely benign (3). 1 of the submissions does not count toward it. Last evaluated 2025-04-09.

Conditions:
NRAP-related disorder. Also called: NRAP-related condition.

Allele frequency attached by ClinVar (database versions not stated): gnomAD 0.00059; TOPMed 0.00063; ExAC 0.00102; ESP Exome Variant Server 0.00131.

Submissions (4):

Molecular Diagnostic Laboratory for Inherited Cardiovascular Disease, Montreal Heart Institute
Classification: Likely benign. Last evaluated: 2025-04-09. Review status: criteria provided, single submitter. Criteria: ACMG Guidelines, 2015. Collection method: clinical testing. Allele origin: germline. Affected: no.
Comment: BP6

Blueprint Genetics
Classification: Likely benign. Last evaluated: 2024-11-27. Review status: criteria provided, single submitter. Criteria: ACMG Guidelines, 2015. Collection method: clinical testing. Allele origin: germline.

CeGaT Center for Human Genetics Tuebingen
Classification: Likely benign. Last evaluated: 2023-08-01. Review status: criteria provided, single submitter. Criteria: CeGaT Center For Human Genetics Tuebingen Variant Classification Criteria Version 2. Collection method: clinical testing. Allele origin: germline. Affected: yes. Observed: 1 variant allele.
Comment: NRAP: BP4

PreventionGenetics, part of Exact Sciences
Classification: Likely benign for NRAP-related condition. Last evaluated: 2024-01-11. Review status: no assertion criteria provided. Collection method: clinical testing. Allele origin: germline. Not counted in ClinVar's aggregate classification.
Comment: This variant is classified as likely benign based on ACMG/AMP sequence variant interpretation guidelines (Richards et al. 2015 PMID: 25741868, with internal and published modifications).